The following is an entry in ClinVar:

NM_000256.3(MYBPC3):c.2221del (p.Ala741fs)

Gene: MYBPC3 (myosin binding protein C3; minus strand). Cytogenetic location: 11p11.2.
Variant type: Deletion.
Coding change: c.2221del on transcript NM_000256.3 (MANE Select); coding-DNA position 2221, one base deleted (G; older notation c.2221delG).
Protein change: p.Ala741fs; shifts the reading frame from alanine 741.
Molecular consequence: frameshift variant.
Genome position (GRCh38, 1-based): chr11:47,338,607, C deleted on the plus strand (G on the coding strand, the reverse complement: MYBPC3 is on the minus strand); the first of 5 consecutive C bases (chr11:47,338,607-47,338,611); deleting any one gives the same sequence. VCF-style (leftmost placement, unchanged base first): chr11-47338606-GC-G. GRCh37 (hg19) VCF-style: chr11-47360157-GC-G.
Other names: c.2221delG (NM_000256.3); c.2221del, p.Ala741fs (LRG_386t1); short protein forms A741fs.
Identifiers: ClinVar variation 181077 (VCV000181077.5), dbSNP rs730880650, ClinGen allele CA011913.

ClinVar aggregate classification (germline): Pathogenic. Review status: criteria provided, multiple submitters, no conflicts (2 of 4 stars). 2 submissions from 2 submitters: Pathogenic (2). Last evaluated 2025-09-10.

Conditions:
Cardiovascular phenotype. Identifiers: MedGen CN230736.

Submissions (2):

GeneDx
Classification: Pathogenic. Last evaluated: 2025-09-10. Review status: criteria provided, single submitter. Criteria: GeneDx Variant Classification Process June 2021. Collection method: clinical testing. Allele origin: germline. Affected: yes.
Comment: Frameshift variant predicted to result in protein truncation or nonsense mediated decay in a gene for which loss of function is a known mechanism of disease; Not observed at significant frequency in large population cohorts (gnomAD); This variant is associated with the following publications: (PMID: 28640247, 34984526, 32841044, 33495597)

Ambry Genetics
Classification: Pathogenic for Cardiovascular phenotype. Last evaluated: 2022-12-13. Review status: criteria provided, single submitter. Criteria: Ambry Variant Classification Scheme 2023. Collection method: clinical testing. Allele origin: germline.
Comment: The c.2221delG pathogenic mutation, located in coding exon 23 of the MYBPC3 gene, results from a deletion of one nucleotide at nucleotide position 2221, causing a translational frameshift with a predicted alternate stop codon (p.A741Qfs*13). This variant has been detected in hypertrophic cardiomyopathy cohorts (Ko C et al. Genet Med, 2018 Jan;20:69-75; Helms AS et al. Circ Genom Precis Med, 2020 Oct;13:396-405; Harper AR et al. Nat Genet, 2021 Feb;53:135-142). This variant is considered to be rare based on population cohorts in the Genome Aggregation Database (gnomAD). In addition to the clinical data presented in the literature, this alteration is expected to result in loss of function by premature protein truncation or nonsense-mediated mRNA decay. As such, this alteration is interpreted as a disease-causing mutation.

Literature cited by the submitters: PubMed 28640247 (cited by Ambry Genetics); PubMed 32841044 (cited by Ambry Genetics); PubMed 33495597 (cited by Ambry Genetics).